The following is an entry in ClinVar:

ClinVar aggregate classification (germline): Pathogenic (1 of 4 stars; one submission).

Conditions:
Neurofibromatosis, type 1 (NF1). Also called: NEUROFIBROMATOSIS, TYPE I, SOMATIC; Neurofibromatosis, type I; Peripheral type neurofibromatosis; VON RECKLINGHAUSEN DISEASE. Identifiers: Orphanet 636, MedGen C0027831, MONDO:0018975, OMIM 162200. Disease mechanism: loss of function.

Submission:

Labcorp Genetics (formerly Invitae), Labcorp
Classification: Pathogenic for Neurofibromatosis, type 1. Last evaluated: 2022-07-22. Review status: criteria provided, single submitter. Criteria: Invitae Variant Classification Sherloc (09022015). Collection method: clinical testing. Allele origin: germline.
Comment: This sequence change creates a premature translational stop signal (p.Ala2227Leufs*17) in the NF1 gene. It is expected to result in an absent or disrupted protein product. Loss-of-function variants in NF1 are known to be pathogenic (PMID: 10712197, 23913538). This variant is not present in population databases (gnomAD no frequency). This variant has not been reported in the literature in individuals affected with NF1-related conditions. Algorithms developed to predict the effect of sequence changes on RNA splicing suggest that this variant may disrupt the consensus splice site. For these reasons, this variant has been classified as Pathogenic.

Literature cited by the submitters: PubMed 10712197; PubMed 23913538.

NM_001042492.3(NF1):c.6741del (p.Ala2248fs)

Gene: NF1 (neurofibromin 1; plus strand). Cytogenetic location: 17q11.2.
Variant type: Deletion.
Coding change: c.6741del on transcript NM_001042492.3 (MANE Select); coding-DNA position 6741, one base deleted (A; older notation c.6741delA).
Protein change: p.Ala2248fs; shifts the reading frame from alanine 2248.
Molecular consequence: frameshift variant.
Genome position (GRCh38, 1-based): chr17:31,338,061, A deleted. VCF-style (leftmost placement, unchanged base first): chr17-31338060-GA-G. GRCh37 (hg19) VCF-style: chr17-29665078-GA-G.
Other names: c.6678delA, p.Ala2227Leufs (NM_000267.4); short protein forms A2227fs, A2248fs.
Identifiers: ClinVar variation 2018884 (VCV002018884.4), dbSNP rs2508759139, ClinGen allele CA2580093137.
Genomic context (GRCh38, chr17:31,338,060, plus strand): 5'-AGTTCTGTGGATCTTTTAATTGCAGATTTGCATTCCAATATAATCCATCCCTGCAACCAA[GA>G]GCTCTTGTTGTCTTTGGGTGTATTAGCAAACGAGTGTCTCATGGGCAGATAAAGCAGATA-3'